The following is an entry in ClinVar:

ClinVar aggregate classification (germline): Benign (1 of 4 stars; one submission).

Conditions:
Familial adenomatous polyposis 1 (FAP1). Also called: FAMILIAL ADENOMATOUS POLYPOSIS 1, ATTENUATED; POLYPOSIS, ADENOMATOUS INTESTINAL. Identifiers: MedGen C2713442, MONDO:0021056, OMIM 175100. Disease mechanism: loss of function.

Submission:

Myriad Genetics, Inc.
Classification: Benign for Familial adenomatous polyposis 1. Last evaluated: 2024-04-09. Review status: criteria provided, single submitter. Criteria: Myriad Autosomal Dominant, Autosomal Recessive and X-Linked Classification Criteria (2023). Collection method: clinical testing. Allele origin: unknown.
Comment: This variant is considered benign. This variant is a silent/synonymous amino acid change and it is not expected to impact splicing.

NM_000038.6(APC):c.7509A>T (p.Gly2503=)

Gene: APC (APC regulator of Wnt signaling pathway; plus strand). Cytogenetic location: 5q22.2.
Variant type: single nucleotide variant.
Coding change: c.7509A>T on transcript NM_000038.6 (MANE Select); coding-DNA position 7509, A replaced by T.
Protein change: p.Gly2503=; no amino-acid change (glycine 2503 retained).
Molecular consequence: synonymous variant. On other transcripts: non-coding transcript variant (2).
Genome position (GRCh38, 1-based): chr5:112,843,103, A>T. VCF-style: chr5-112843103-A-T. GRCh37 (hg19) VCF-style: chr5-112178800-A-T.
Other names: c.7509A>T, p.Gly2503= (NM_001127510.3, NM_001354895.2, NM_001407450.1); c.7455A>T, p.Gly2485= (NM_001127511.3); c.7563A>T, p.Gly2521= (NM_001354896.2, NM_001407447.1, NM_001407448.1 and 1 more transcripts); c.7539A>T, p.Gly2513= (NM_001354897.2); c.7434A>T, p.Gly2478= (NM_001354898.2); c.7425A>T, p.Gly2475= (NM_001354899.2); c.7386A>T, p.Gly2462= (NM_001354900.2); c.7332A>T, p.Gly2444= (NM_001354901.2, NM_001407453.1); and 11 more.
Identifiers: ClinVar variation 3254146 (VCV003254146.1), dbSNP rs1580683429.